The following is an entry in ClinVar:

ClinVar aggregate classification (germline): Uncertain significance. Review status: criteria provided, multiple submitters, no conflicts (2 of 4 stars). 4 submissions from 4 submitters: Uncertain significance (4). Last evaluated 2026-01-12.

Conditions:
Familial adenomatous polyposis 1 (FAP1). Also called: POLYPOSIS, ADENOMATOUS INTESTINAL; FAMILIAL ADENOMATOUS POLYPOSIS 1, ATTENUATED. Identifiers: MedGen C2713442, MONDO:0021056, OMIM 175100. Disease mechanism: loss of function.
Hereditary cancer-predisposing syndrome. Also called: Tumor predisposition; Hereditary neoplastic syndrome; Hereditary Cancer Syndrome; Neoplastic Syndromes, Hereditary. Identifiers: Orphanet 140162, MedGen C0027672, MeSH D009386, MONDO:0015356.
Classic or attenuated familial adenomatous polyposis. Identifiers: MedGen CN372698, MONDO:0021057.

gnomAD v4.1: 3 of 1,614,108 alleles (0.00019%); highest among the groups gnomAD compares: Non-Finnish European, 0.00025%; no homozygotes.

Submissions (4):

Ambry Genetics
Classification: Uncertain significance for Hereditary cancer-predisposing syndrome. Last evaluated: 2026-01-12. Review status: criteria provided, single submitter. Criteria: Ambry Variant Classification Scheme 2023. Collection method: clinical testing. Allele origin: germline.

Labcorp Genetics (formerly Invitae), Labcorp
Classification: Uncertain significance for Familial adenomatous polyposis 1. Last evaluated: 2025-11-24. Review status: criteria provided, single submitter. Criteria: Invitae Variant Classification Sherloc (09022015). Collection method: clinical testing. Allele origin: germline.
Comment: This sequence change replaces valine, which is neutral and non-polar, with phenylalanine, which is neutral and non-polar, at codon 1481 of the APC protein (p.Val1481Phe). This variant is not present in population databases (gnomAD no frequency). This variant has not been reported in the literature in individuals affected with APC-related conditions. ClinVar contains an entry for this variant (Variation ID: 233284). Invitae Evidence Modeling of protein sequence and biophysical properties (such as structural, functional, and spatial information, amino acid conservation, physicochemical variation, residue mobility, and thermodynamic stability) indicates that this missense variant is not expected to disrupt APC protein function with a negative predictive value of 95%. In summary, the available evidence is currently insufficient to determine the role of this variant in disease. Therefore, it has been classified as a Variant of Uncertain Significance.

All of Us Research Program, National Institutes of Health
Classification: Uncertain significance for Classic or attenuated familial adenomatous polyposis. Last evaluated: 2024-01-08. Review status: criteria provided, single submitter. Criteria: ACMG Guidelines, 2015. Collection method: clinical testing. Allele origin: germline. Inheritance: Autosomal dominant inheritance. Observed: 2 variant alleles, 2 heterozygotes.
Comment: This missense variant replaces valine with phenylalanine at codon 1481 of the APC protein. Computational prediction suggests that this variant may not impact protein structure and function (internally defined REVEL score threshold <= 0.5, PMID: 27666373). To our knowledge, functional studies have not been reported for this variant. This variant has not been reported in individuals affected with APC-related disorders in the literature. This variant has not been identified in the general population by the Genome Aggregation Database (gnomAD). The available evidence is insufficient to determine the role of this variant in disease conclusively. Therefore, this variant is classified as a Variant of Uncertain Significance.

This study involves interpretation of variants in research participants for the purpose of population health screening. Participant phenotype was not available at the time of variant classification. Additional details can be found in publication PMID: 35346344, PMCID: PMC8962531

Color Diagnostics, LLC DBA Color Health
Classification: Uncertain significance for Hereditary cancer-predisposing syndrome. Last evaluated: 2023-10-19. Review status: criteria provided, single submitter. Criteria: ACMG Guidelines, 2015. Collection method: clinical testing. Allele origin: germline.
Comment: This missense variant replaces valine with phenylalanine at codon 1481 of the APC protein. Computational prediction suggests that this variant may not impact protein structure and function (internally defined REVEL score threshold <= 0.5, PMID: 27666373). To our knowledge, functional studies have not been reported for this variant. This variant has not been reported in individuals affected with APC-related disorders in the literature. This variant has not been identified in the general population by the Genome Aggregation Database (gnomAD). The available evidence is insufficient to determine the role of this variant in disease conclusively. Therefore, this variant is classified as a Variant of Uncertain Significance.

NM_000038.6(APC):c.4441G>T (p.Val1481Phe)

Gene: APC (APC regulator of Wnt signaling pathway; plus strand). Cytogenetic location: 5q22.2.
Variant type: single nucleotide variant.
Coding change: c.4441G>T on transcript NM_000038.6 (MANE Select); coding-DNA position 4441, G replaced by T.
Protein change: p.Val1481Phe; replaces valine 1481 with phenylalanine.
Molecular consequence: missense variant.
Genome position (GRCh38, 1-based): chr5:112,840,035, G>T. VCF-style: chr5-112840035-G-T. GRCh37 (hg19) VCF-style: chr5-112175732-G-T.
Other names: c.4441G>T, p.Val1481Phe (NM_001127510.3, NM_001354895.2); c.4387G>T, p.Val1463Phe (NM_001127511.3); c.4495G>T, p.Val1499Phe (NM_001354896.2); c.4471G>T, p.Val1491Phe (NM_001354897.2); c.4366G>T, p.Val1456Phe (NM_001354898.2); c.4357G>T, p.Val1453Phe (NM_001354899.2); c.4318G>T, p.Val1440Phe (NM_001354900.2); c.4264G>T, p.Val1422Phe (NM_001354901.2); and 5 more; short protein forms V1463F, V1481F, V1198F, V1390F, V1422F, V1355F, V1321F, V1380F.
Identifiers: ClinVar variation 233284 (VCV000233284.21), dbSNP rs587782349, ClinGen allele CA10578376.